The following is an entry in ClinVar:

ClinVar aggregate classification (germline): Pathogenic (1 of 4 stars; one submission).

Conditions:
Duchenne muscular dystrophy (DMD). Also called: Duchenne Muscular Dystrophy (DMD); MUSCULAR DYSTROPHY, PSEUDOHYPERTROPHIC PROGRESSIVE, DUCHENNE TYPE. Identifiers: Orphanet 98896, MedGen C0013264, MONDO:0010679, OMIM 310200.

Submission:

Labcorp Genetics (formerly Invitae), Labcorp
Classification: Pathogenic for Duchenne muscular dystrophy. Last evaluated: 2022-09-09. Review status: criteria provided, single submitter. Criteria: Invitae Variant Classification Sherloc (09022015). Collection method: clinical testing. Allele origin: germline.
Comment: This variant is a gross deletion of the genomic region encompassing exon(s) 8-15 of the DMD gene. This deletion is out-of-frame, and is expected to create a premature termination codon and result in an absent or disrupted protein product. Loss-of-function variants in DMD are known to be pathogenic (PMID: 16770791, 25007885). A similar copy number variant has been observed in individual(s) with Duchenne muscular dystrophy (PMID: 19937601). For these reasons, this variant has been classified as Pathogenic.

Literature cited by the submitters: PubMed 16770791; PubMed 25007885; PubMed 19937601.

NC_000023.10:g.(?_32591637)_(32717420_?)del

Gene: DMD (dystrophin; minus strand). Cytogenetic location: Xp21.1.
Variant type: Deletion.
Identifiers: ClinVar variation 2424849 (VCV002424849.4).